The following is an entry in ClinVar:

NM_031935.3(HMCN1):c.1535C>T (p.Thr512Ile)

Gene: HMCN1 (hemicentin 1; plus strand). Cytogenetic location: 1q31.1.
Variant type: single nucleotide variant.
Coding change: c.1535C>T on transcript NM_031935.3 (MANE Select); coding-DNA position 1535, C replaced by T.
Protein change: p.Thr512Ile; replaces threonine 512 with isoleucine.
Molecular consequence: missense variant.
Genome position (GRCh38, 1-based): chr1:185,928,650, C>T. VCF-style: chr1-185928650-C-T. GRCh37 (hg19) VCF-style: chr1-185897782-C-T.
Other names: short protein forms T512I.
Identifiers: ClinVar variation 2055985 (VCV002055985.4), dbSNP rs149707772, ClinGen allele CA1291133.

ClinVar aggregate classification (germline): Uncertain significance (1 of 4 stars; one submission).

Allele frequency attached by ClinVar (database versions not stated): ExAC 0.00017; gnomAD 0.00021; TOPMed 0.00021; gnomAD exomes 0.00036; ESP Exome Variant Server 0.00038.
gnomAD v4.1: 545 of 1,613,320 alleles (0.034%); highest among the groups gnomAD compares: Non-Finnish European, 0.045%; no homozygotes.

Submission:

Labcorp Genetics (formerly Invitae), Labcorp
Classification: Uncertain significance. Last evaluated: 2026-01-18. Review status: criteria provided, single submitter. Criteria: Invitae Variant Classification Sherloc (09022015). Collection method: clinical testing. Allele origin: germline.
Comment: This sequence change replaces threonine, which is neutral and polar, with isoleucine, which is neutral and non-polar, at codon 512 of the HMCN1 protein (p.Thr512Ile). This variant is present in population databases (rs149707772, gnomAD 0.04%). This missense change has been observed in individual(s) with macular degeneration (PMID: 17216616). ClinVar contains an entry for this variant (Variation ID: 2055985). An algorithm developed to predict the effect of missense changes on protein structure and function (PolyPhen-2) suggests that this variant is likely to be disruptive. In summary, the available evidence is currently insufficient to determine the role of this variant in disease. Therefore, it has been classified as a Variant of Uncertain Significance.

Literature cited by the submitters: PubMed 17216616.